The following is an entry in ClinVar:

NM_000268.4(NF2):c.77T>C (p.Ile26Thr)

Gene: NF2 (NF2, moesin-ezrin-radixin like (MERLIN) tumor suppressor; plus strand). Cytogenetic location: 22q12.2.
Variant type: single nucleotide variant.
Coding change: c.77T>C on transcript NM_000268.4 (MANE Select); coding-DNA position 77, T replaced by C.
Protein change: p.Ile26Thr; replaces isoleucine 26 with threonine.
Molecular consequence: missense variant. On other transcripts: non-coding transcript variant (1).
Genome position (GRCh38, 1-based): chr22:29,604,075, T>C. VCF-style: chr22-29604075-T-C. GRCh37 (hg19) VCF-style: chr22-30000064-T-C.
Other names: c.77T>C, p.Ile26Thr (NM_016418.5, NM_181825.3, NM_181828.3 and 5 more transcripts); short protein forms I26T.
Identifiers: ClinVar variation 422184 (VCV000422184.8), dbSNP rs1064795612, ClinGen allele CA16621093.

ClinVar aggregate classification (germline): Uncertain significance. Review status: criteria provided, multiple submitters, no conflicts (2 of 4 stars). 4 submissions from 4 submitters: Uncertain significance (4). Last evaluated 2025-09-10.

Conditions:
Hereditary cancer-predisposing syndrome. Also called: Tumor predisposition; Hereditary Cancer Syndrome; Hereditary neoplastic syndrome; Neoplastic Syndromes, Hereditary. Identifiers: Orphanet 140162, MedGen C0027672, MeSH D009386, MONDO:0015356.
Neurofibromatosis, type 2 (SWNV). Also called: SCHWANNOMATOSIS, VESTIBULAR; NF2-Related Schwannomatosis; BILATERAL ACOUSTIC NEUROFIBROMATOSIS. Identifiers: Orphanet 637, MedGen C0027832, MONDO:0007039, OMIM 101000. Disease mechanism: loss of function.

Submissions (4):

Labcorp Genetics (formerly Invitae), Labcorp
Classification: Uncertain significance for Neurofibromatosis, type 2. Last evaluated: 2025-09-10. Review status: criteria provided, single submitter. Criteria: Invitae Variant Classification Sherloc (09022015). Collection method: clinical testing. Allele origin: germline.
Comment: This sequence change replaces isoleucine, which is neutral and non-polar, with threonine, which is neutral and polar, at codon 26 of the NF2 protein (p.Ile26Thr). This variant is not present in population databases (gnomAD no frequency). This variant has not been reported in the literature in individuals affected with NF2-related conditions. ClinVar contains an entry for this variant (Variation ID: 422184). Invitae Evidence Modeling of protein sequence and biophysical properties (such as structural, functional, and spatial information, amino acid conservation, physicochemical variation, residue mobility, and thermodynamic stability) has been performed for this missense variant. However, the output from this modeling did not meet the statistical confidence thresholds required to predict the impact of this variant on NF2 protein function. In summary, the available evidence is currently insufficient to determine the role of this variant in disease. Therefore, it has been classified as a Variant of Uncertain Significance.

Ambry Genetics
Classification: Uncertain significance for Hereditary cancer-predisposing syndrome. Last evaluated: 2025-01-27. Review status: criteria provided, single submitter. Criteria: Ambry Variant Classification Scheme 2023. Collection method: clinical testing. Allele origin: germline.
Comment: The p.I26T variant (also known as c.77T>C), located in coding exon 1 of the NF2 gene, results from a T to C substitution at nucleotide position 77. The isoleucine at codon 26 is replaced by threonine, an amino acid with similar properties. This amino acid position is conserved. In addition, the in silico prediction for this alteration is inconclusive. Based on the available evidence, the clinical significance of this variant remains unclear.

Color Diagnostics, LLC DBA Color Health
Classification: Uncertain significance for Neurofibromatosis, type 2. Last evaluated: 2024-07-24. Review status: criteria provided, single submitter. Criteria: ACMG Guidelines, 2015. Collection method: clinical testing. Allele origin: germline.
Comment: This missense variant replaces isoleucine with threonine at codon 26 of the NF2 protein. Computational prediction is inconclusive regarding the impact of this variant on protein structure and function. To our knowledge, functional studies have not been reported for this variant. This variant has not been reported in individuals affected with NF2-related disorders in the literature. This variant has not been identified in the general population by the Genome Aggregation Database (gnomAD). The available evidence is insufficient to determine the role of this variant in disease conclusively. Therefore, this variant is classified as a Variant of Uncertain Significance.

GeneDx
Classification: Uncertain significance. Last evaluated: 2016-09-06. Review status: criteria provided, single submitter. Criteria: GeneDx Variant Classification (06012015). Collection method: clinical testing. Allele origin: germline. Affected: yes.
Comment: This variant is denoted NF2 c.77T>C at the cDNA level, p.Ile26Thr (I26T) at the protein level, and results in the change of an Isoleucine to a Threonine (ATC>ACC). This variant has not, to our knowledge, been published in the literature as pathogenic or benign. NF2 Ile26Thr was not observed in approximately 6,500 individuals of European and African American ancestry in the NHLBI Exome Sequencing Project, suggesting it is not a common benign variant in these populations. Since Isoleucine and Threonine differ in polarity, charge, size or other properties, this is considered a non-conservative amino acid substitution. NF2 Ile26Thr occurs at a position that is conserved across species and is located in the FERM domain (UniProt). In silico analyses predict that this variant is probably damaging to protein structure and function. Based on currently available evidence, it is unclear whether NF2 Ile26Thr is a pathogenic or benign variant. We consider it to be a variant of uncertain significance.